The following is an entry in ClinVar:

NM_016507.4(CDK12):c.3160G>A (p.Gly1054Ser)

Gene: CDK12 (cyclin dependent kinase 12; plus strand). Cytogenetic location: 17q12.
Variant type: single nucleotide variant.
Coding change: c.3160G>A on transcript NM_016507.4 (MANE Select); coding-DNA position 3160, G replaced by A.
Protein change: p.Gly1054Ser; replaces glycine 1054 with serine.
Molecular consequence: missense variant.
Genome position (GRCh38, 1-based): chr17:39,524,738, G>A. VCF-style: chr17-39524738-G-A. GRCh37 (hg19) VCF-style: chr17-37680991-G-A.
Other names: c.3160G>A, p.Gly1054Ser (NM_015083.4); short protein forms G1054S.
Identifiers: ClinVar variation 3830590 (VCV003830590.1).
Genomic context (GRCh38, chr17:39,524,738, plus strand): 5'-CCCCACTGGCAGGATTGCCATGAGTTGTGGAGTAAGAAACGGCGACGTCAGCGACAAAGT[G>A]GTGTTGTAGTCGAAGAGCCACCTCCATCCAAAACTTCTCGAAAAGAAACTACCTCAGGGA-3'
Protein context (NP_057591.2, residues 1044-1064): SKKRRRQRQS[Gly1054Ser]VVVEEPPPSK

ClinVar aggregate classification (germline): Uncertain significance (1 of 4 stars; one submission).

Submission:

Ambry Genetics
Classification: Uncertain significance. Last evaluated: 2025-02-01. Review status: criteria provided, single submitter. Criteria: Ambry Variant Classification Scheme 2023. Collection method: clinical testing. Allele origin: germline.
Comment: The p.G1054S variant (also known as c.3160G>A), located in coding exon 12 of the CDK12 gene, results from a G to A substitution at nucleotide position 3160. The glycine at codon 1054 is replaced by serine, an amino acid with similar properties. This amino acid position is conserved. In addition, the in silico prediction for this alteration is inconclusive. Based on the available evidence, the clinical significance of this variant remains unclear.